The following is an entry in ClinVar:

ClinVar aggregate classification (germline): Uncertain significance. Review status: criteria provided, multiple submitters, no conflicts (2 of 4 stars). 2 submissions from 2 submitters: Uncertain significance (2). Last evaluated 2024-03-28.

Submissions (2):

GeneDx
Classification: Uncertain significance. Last evaluated: 2024-03-28. Review status: criteria provided, single submitter. Criteria: GeneDx Variant Classification Process June 2021. Collection method: clinical testing. Allele origin: germline. Affected: yes.
Comment: Not observed at significant frequency in large population cohorts (gnomAD); In silico analysis supports that this missense variant has a deleterious effect on protein structure/function; Has not been previously published as pathogenic or benign to our knowledge

Blueprint Genetics
Classification: Uncertain significance. Last evaluated: 2020-11-02. Review status: criteria provided, single submitter. Criteria: ACMG Guidelines, 2015. Collection method: clinical testing. Allele origin: germline.

NM_032482.3(DOT1L):c.565G>A (p.Asp189Asn)

Gene: DOT1L (DOT1 like histone lysine methyltransferase; plus strand). Cytogenetic location: 19p13.3.
Variant type: single nucleotide variant.
Coding change: c.565G>A on transcript NM_032482.3 (MANE Select); coding-DNA position 565, G replaced by A.
Protein change: p.Asp189Asn; replaces aspartic acid 189 with asparagine.
Molecular consequence: missense variant.
Genome position (GRCh38, 1-based): chr19:2,193,760, G>A. VCF-style: chr19-2193760-G-A. GRCh37 (hg19) VCF-style: chr19-2193759-G-A.
Other names: c.565G>A, p.Asp189Asn (NM_001411141.1); short protein forms D189N.
Identifiers: ClinVar variation 3378110 (VCV003378110.2).